The following is an entry in ClinVar:

ClinVar aggregate classification (germline): Uncertain significance (1 of 4 stars; one submission).

Conditions:
Catecholaminergic polymorphic ventricular tachycardia 1. Also called: VENTRICULAR TACHYCARDIA, CATECHOLAMINERGIC POLYMORPHIC, 1, WITH OR WITHOUT ATRIAL DYSFUNCTION AND/OR DILATED CARDIOMYOPATHY; RYR2-Related Catecholaminergic Polymorphic Ventricular Tachycardia; VENTRICULAR TACHYCARDIA, STRESS-INDUCED POLYMORPHIC 1. Identifiers: Orphanet 3286, MedGen C1631597, MONDO:0011484, OMIM 604772.

gnomAD v4.1: 1 of 1,607,602 alleles (0.000062%); highest among the groups gnomAD compares: African/African-American, 0.0013%; no homozygotes.

Submission:

Labcorp Genetics (formerly Invitae), Labcorp
Classification: Uncertain significance for Catecholaminergic polymorphic ventricular tachycardia 1. Last evaluated: 2024-12-20. Review status: criteria provided, single submitter. Criteria: Invitae Variant Classification Sherloc (09022015). Collection method: clinical testing. Allele origin: germline.
Comment: This sequence change replaces aspartic acid, which is acidic and polar, with histidine, which is basic and polar, at codon 395 of the CASQ2 protein (p.Asp395His). This variant is present in population databases (no rsID available, gnomAD 0.01%). This variant has not been reported in the literature in individuals affected with CASQ2-related conditions. Invitae Evidence Modeling of protein sequence and biophysical properties (such as structural, functional, and spatial information, amino acid conservation, physicochemical variation, residue mobility, and thermodynamic stability) indicates that this missense variant is not expected to disrupt CASQ2 protein function with a negative predictive value of 80%. In summary, the available evidence is currently insufficient to determine the role of this variant in disease. Therefore, it has been classified as a Variant of Uncertain Significance.

NM_001232.4(CASQ2):c.1183G>C (p.Asp395His)

Gene: CASQ2 (calsequestrin 2; minus strand). Cytogenetic location: 1p13.1.
Variant type: single nucleotide variant.
Coding change: c.1183G>C on transcript NM_001232.4 (MANE Select); coding-DNA position 1183, G replaced by C.
Protein change: p.Asp395His; replaces aspartic acid 395 with histidine.
Molecular consequence: missense variant.
Genome position (GRCh38, 1-based): chr1:115,701,258, C>G on the plus strand (G>C on the coding strand, the complement: CASQ2 is on the minus strand). VCF-style: chr1-115701258-C-G. GRCh37 (hg19) VCF-style: chr1-116243879-C-G.
Other names: short protein forms D395H.
Identifiers: ClinVar variation 3664583 (VCV003664583.2).